The following is an entry in ClinVar:

NM_001194998.2(CEP152):c.2720A>G (p.Lys907Arg)

Gene: CEP152 (centrosomal protein 152; minus strand). Cytogenetic location: 15q21.1.
Variant type: single nucleotide variant.
Coding change: c.2720A>G on transcript NM_001194998.2 (MANE Select); coding-DNA position 2720, A replaced by G.
Protein change: p.Lys907Arg; replaces lysine 907 with arginine.
Molecular consequence: missense variant.
Genome position (GRCh38, 1-based): chr15:48,756,528, T>C on the plus strand (A>G on the coding strand, the complement: CEP152 is on the minus strand). VCF-style: chr15-48756528-T-C. GRCh37 (hg19) VCF-style: chr15-49048725-T-C.
Other names: c.2720A>G, p.Lys907Arg (NM_014985.4); short protein forms K907R.
Identifiers: ClinVar variation 1928543 (VCV001928543.5), dbSNP rs2504610499, ClinGen allele CA392343631.

ClinVar aggregate classification (germline): Uncertain significance (1 of 4 stars; one submission).

Allele frequency attached by ClinVar (database versions not stated): gnomAD exomes below 0.00001.
gnomAD v4.1: 1 of 1,607,790 alleles (0.000062%); highest among the groups gnomAD compares: Non-Finnish European, 0.000085%; no homozygotes.

Submission:

Labcorp Genetics (formerly Invitae), Labcorp
Classification: Uncertain significance. Last evaluated: 2024-02-23. Review status: criteria provided, single submitter. Criteria: Invitae Variant Classification Sherloc (09022015). Collection method: clinical testing. Allele origin: germline.
Comment: This sequence change replaces lysine, which is basic and polar, with arginine, which is basic and polar, at codon 907 of the CEP152 protein (p.Lys907Arg). This variant is not present in population databases (gnomAD no frequency). This variant has not been reported in the literature in individuals affected with CEP152-related conditions. ClinVar contains an entry for this variant (Variation ID: 1928543). Advanced modeling of protein sequence and biophysical properties (such as structural, functional, and spatial information, amino acid conservation, physicochemical variation, residue mobility, and thermodynamic stability) performed at Invitae indicates that this missense variant is not expected to disrupt CEP152 protein function with a negative predictive value of 80%. In summary, the available evidence is currently insufficient to determine the role of this variant in disease. Therefore, it has been classified as a Variant of Uncertain Significance.